The following is an entry in ClinVar:

ClinVar aggregate classification (germline): not provided (0 of 4 stars; one submission).

Allele frequency attached by ClinVar (database versions not stated): gnomAD 0.00005; TOPMed 0.00008 and 0.00006; ExAC 0.00002; gnomAD exomes 0.00004.

Submission:

ITMI
No classification provided. Condition: AllHighlyPenetrant. Last evaluated: 2013-09-19. Review status: no classification provided. Collection method: reference population. Allele origin: germline.
Comment: Please see associated publication for description of ethnicities

Literature cited by the submitters: PubMed 24728327.

NM_003820.4(TNFRSF14):c.797C>T (p.Thr266Met)

Gene: TNFRSF14 (TNF receptor superfamily member 14; plus strand). Cytogenetic location: 1p36.32.
Variant type: single nucleotide variant.
Coding change: c.797C>T on transcript NM_003820.4 (MANE Select); coding-DNA position 797, C replaced by T.
Protein change: p.Thr266Met; replaces threonine 266 with methionine.
Molecular consequence: missense variant. On other transcripts: 3 prime UTR variant (1).
Genome position (GRCh38, 1-based): chr1:2,563,218, C>T. VCF-style: chr1-2563218-C-T. GRCh37 (hg19) VCF-style: chr1-2494657-C-T.
Other names: c.*99C>T (NM_001297605.2); short protein forms T266M.
Identifiers: ClinVar variation 135357 (VCV000135357.1), dbSNP rs587778717, ClinGen allele CA162467.